The following is an entry in ClinVar:

NM_002855.5(NECTIN1):c.1310AGG[9] (p.Glu444dup)

Gene: NECTIN1 (nectin cell adhesion molecule 1; minus strand). Cytogenetic location: 11q23.3.
Variant type: Microsatellite.
Coding change: c.1310AGG[9] on transcript NM_002855.5 (MANE Select); nine copies in a row of the 3-base unit AGG starting at c.1310; the reference has eight copies in a row; one copy, 3 bases duplicated.
Protein change: p.Glu444dup; duplicates glutamic acid 444.
Molecular consequence: inframe insertion. On other transcripts: intron variant (1).
Genome position (GRCh38, 1-based): chr11:119,664,968-119,664,970, CCT duplicated on the plus strand (AGG on the coding strand, the reverse complement: NECTIN1 is on the minus strand); duplicating any 3 consecutive bases within chr11:119,664,968-119,664,992 gives the same sequence; the position shown is the placement nearest the transcript's 3' end. VCF-style (leftmost placement, unchanged base first): chr11-119664967-C-CCCT. GRCh37 (hg19) VCF-style: chr11-119535677-C-CCCT.
Other names: c.1331_1333dupAGG (NM_002855.4); c.1003+10168AGG[9] (NM_203285.2).
Identifiers: ClinVar variation 218617 (VCV000218617.12), dbSNP rs137909701, ClinGen allele CA249398.
Genomic context (GRCh38, chr11:119,664,967, plus strand): 5'-TTGGCGTCCTCGTCATATTTGGGGTGGGGGCCGCCCACCTTGCGCTCGCCCCCTCCACCG[C>CCCT]CCTCCTCCTCCTCCTCCTCCTCCTCATAGCTGCTTCCACCCAGTGGGCCGGCCTTCTTCT-3'

ClinVar aggregate classification (germline): Benign. Review status: criteria provided, multiple submitters, no conflicts (2 of 4 stars). 6 submissions from 6 submitters: Benign (4). 2 of the submissions do not count toward it. Last evaluated 2026-02-01.

Conditions:
Cleft lip/palate-ectodermal dysplasia syndrome (CLPED1). Also called: Zlotogora syndrome; ECTODERMAL DYSPLASIA, CLEFT LIP AND PALATE, MENTAL RETARDATION, AND SYNDACTYLY; ECTODERMAL DYSPLASIA, MARGARITA ISLAND TYPE; ECTODERMAL DYSPLASIA, TYPE 4; ZLOTOGORA-OGUR SYNDROME. Identifiers: Orphanet 3253, MedGen C2931488, MONDO:0009151, OMIM 225060.

Submissions (6):

Labcorp Genetics (formerly Invitae), Labcorp
Classification: Benign. Last evaluated: 2026-02-01. Review status: criteria provided, single submitter. Criteria: Invitae Variant Classification Sherloc (09022015). Collection method: clinical testing. Allele origin: germline.

Laboratory of Genetics, Children's Clinical University Hospital Latvia
Classification: Benign. Last evaluated: 2025-02-16. Review status: criteria provided, single submitter. Criteria: ACMG Guidelines, 2015. Collection method: clinical testing. Allele origin: germline. Affected: yes.

GeneDx
Classification: Benign. Last evaluated: 2021-04-28. Review status: criteria provided, single submitter. Criteria: GeneDx Variant Classification Process June 2021. Collection method: clinical testing. Allele origin: germline. Affected: yes.
Comment: This variant is associated with the following publications: (PMID: 16122939, 27884173)

Genomic Diagnostic Laboratory, Division of Genomic Diagnostics, Children's Hospital of Philadelphia
Classification: Benign. Last evaluated: 2015-06-25. Review status: criteria provided, single submitter. Criteria: DGD Variant Analysis Guidelines. Collection method: clinical testing. Allele origin: unknown.

Diagnostic Laboratory, Department of Genetics, University Medical Center Groningen
Classification: Benign for Cleft lip/palate-ectodermal dysplasia syndrome. Review status: no assertion criteria provided. Collection method: clinical testing. Allele origin: germline. Affected: yes. Study: VKGL Data-share Consensus. Not counted in ClinVar's aggregate classification.

Genome Diagnostics Laboratory, University Medical Center Utrecht
Classification: Benign. Review status: no assertion criteria provided. Collection method: clinical testing. Allele origin: germline. Affected: yes. Study: VKGL Data-share Consensus. Not counted in ClinVar's aggregate classification.